The following is an entry in ClinVar:

ClinVar aggregate classification (germline): Uncertain significance. Review status: criteria provided, multiple submitters, no conflicts (2 of 4 stars). 2 submissions from 2 submitters: Uncertain significance (2). Last evaluated 2024-02-05.

Conditions:
COL4A2-related disorder. Also called: COL4A2-related disorders; COL4A2-related condition.

Allele frequency attached by ClinVar (database versions not stated): gnomAD exomes 0.00001 and below 0.00001.
gnomAD v4.1: 18 of 1,605,606 alleles (0.0011%); highest among the groups gnomAD compares: Non-Finnish European, 0.0014%; no homozygotes.

Submissions (2):

Labcorp Genetics (formerly Invitae), Labcorp
Classification: Uncertain significance. Last evaluated: 2024-02-05. Review status: criteria provided, single submitter. Criteria: Invitae Variant Classification Sherloc (09022015). Collection method: clinical testing. Allele origin: germline.
Comment: This sequence change replaces glycine, which is neutral and non-polar, with serine, which is neutral and polar, at codon 830 of the COL4A2 protein (p.Gly830Ser). This variant is not present in population databases (gnomAD no frequency). This variant has not been reported in the literature in individuals affected with COL4A2-related conditions. ClinVar contains an entry for this variant (Variation ID: 1695894). Advanced modeling of protein sequence and biophysical properties (such as structural, functional, and spatial information, amino acid conservation, physicochemical variation, residue mobility, and thermodynamic stability) performed at Invitae indicates that this missense variant is expected to disrupt COL4A2 protein function with a positive predictive value of 95%. In summary, the available evidence is currently insufficient to determine the role of this variant in disease. Therefore, it has been classified as a Variant of Uncertain Significance.

Women's Health and Genetics/Laboratory Corporation of America, LabCorp
Classification: Uncertain significance. Last evaluated: 2023-12-11. Review status: criteria provided, single submitter. Criteria: LabCorp Variant Classification Summary - May 2015. Collection method: clinical testing. Allele origin: germline.
Comment: Variant summary: COL4A2 c.2488G>A (p.Gly830Ser) results in a non-conservative amino acid change in the encoded protein sequence. Five of five in-silico tools predict a damaging effect of the variant on protein function. The variant allele was found at a frequency of 4.1e-06 in 244300 control chromosomes. The available data on variant occurrences in the general population are insufficient to allow any conclusion about variant significance. To our knowledge, no occurrence of c.2488G>A in individuals affected with Porencephaly 2 and no experimental evidence demonstrating its impact on protein function have been reported. No submitters have cited clinical-significance assessments for this variant to ClinVar after 2014. Based on the evidence outlined above, the variant was classified as uncertain significance.

NM_001846.4(COL4A2):c.2488G>A (p.Gly830Ser)

Gene: COL4A2 (collagen type IV alpha 2 chain; plus strand). Cytogenetic location: 13q34.
Variant type: single nucleotide variant.
Coding change: c.2488G>A on transcript NM_001846.4 (MANE Select); coding-DNA position 2488, G replaced by A.
Protein change: p.Gly830Ser; replaces glycine 830 with serine.
Molecular consequence: missense variant.
Genome position (GRCh38, 1-based): chr13:110,478,065, G>A. VCF-style: chr13-110478065-G-A. GRCh37 (hg19) VCF-style: chr13-111130412-G-A.
Other names: short protein forms G830S.
Identifiers: ClinVar variation 1695894 (VCV001695894.6), dbSNP rs1333372502, ClinGen allele CA388725898.